The following is an entry in ClinVar:

NM_001613.4(ACTA2):c.151C>T (p.Gln51Ter)

Gene: ACTA2 (actin alpha 2, smooth muscle; minus strand). Cytogenetic location: 10q23.31.
Variant type: single nucleotide variant.
Coding change: c.151C>T on transcript NM_001613.4 (MANE Select); coding-DNA position 151, C replaced by T.
Protein change: p.Gln51Ter; replaces glutamine 51 with a stop codon.
Molecular consequence: nonsense. On other transcripts: intron variant (3).
Genome position (GRCh38, 1-based): chr10:88,947,365, G>A on the plus strand (C>T on the coding strand, the complement: ACTA2 is on the minus strand). VCF-style: chr10-88947365-G-A. GRCh37 (hg19) VCF-style: chr10-90707122-G-A.
Other names: c.129+1437C>T (NM_001406468.1, NM_001406469.1, NM_001406467.1); c.151C>T, p.Gln51Ter (NM_001141945.3, NM_001320855.2, NM_001406462.1 and 4 more transcripts); short protein forms Q51*.
Identifiers: ClinVar variation 4220827 (VCV004220827.1).
Genomic context (GRCh38, chr10:88,947,365, plus strand): 5'-ACTTCAGGGTCAGGATTCCTCTTTTGCTCTGTGCTTCGTCACCCACGTAGCTGTCTTTTT[G>A]TCCCATTCCCACCATCACCCCCTAAAAAGGTTCAACACATTATGAGTCAGCATCTCCCAA-3'

ClinVar aggregate classification (germline): Uncertain significance (1 of 4 stars; one submission).

Conditions:
Familial thoracic aortic aneurysm and aortic dissection (TAAD). Also called: Thoracic aortic aneurysms and dissections. Identifiers: Orphanet 91387, MedGen C4707243, MONDO:0019625.

Submission:

Ambry Genetics
Classification: Uncertain significance for Familial thoracic aortic aneurysm and aortic dissection. Last evaluated: 2025-09-09. Review status: criteria provided, single submitter. Criteria: Ambry Variant Classification Scheme 2023. Collection method: clinical testing. Allele origin: germline.
Comment: The p.Q51* variant (also known as c.151C>T), located in coding exon 2 of the ACTA2 gene, results from a C to T substitution at nucleotide position 151. This changes the amino acid from a glutamine to a stop codon within coding exon 2. This alteration is expected to result in protein truncation or nonsense-mediated mRNA decay. However, loss of function has not been established as a mechanism of disease. Based on the available evidence, the clinical significance of this alteration remains unclear.